The following is an entry in ClinVar:

ClinVar aggregate classification (germline): Pathogenic (1 of 4 stars; one submission).

gnomAD v4.1: 2 of 1,609,754 alleles (0.00012%); highest among the groups gnomAD compares: African/African-American, 0.0013%; no homozygotes.

Submission:

Labcorp Genetics (formerly Invitae), Labcorp
Classification: Pathogenic. Last evaluated: 2025-09-08. Review status: criteria provided, single submitter. Criteria: Invitae Variant Classification Sherloc (09022015). Collection method: clinical testing. Allele origin: germline.
Comment: This sequence change creates a premature translational stop signal (p.Trp460*) in the TBCK gene. It is expected to result in an absent or disrupted protein product. Loss-of-function variants in TBCK are known to be pathogenic (PMID: 27040692, 30103036). This variant is not present in population databases (gnomAD no frequency). This variant has not been reported in the literature in individuals affected with TBCK-related conditions. Algorithms developed to predict the effect of sequence changes on RNA splicing suggest that this variant may disrupt the consensus splice site. For these reasons, this variant has been classified as Pathogenic.

Literature cited by the submitters: PubMed 27040692; PubMed 30103036.

NM_001163435.3(TBCK):c.1380G>A (p.Trp460Ter)

Gene: TBCK (TBC1 domain containing kinase; minus strand). Cytogenetic location: 4q24.
Variant type: single nucleotide variant.
Coding change: c.1380G>A on transcript NM_001163435.3 (MANE Select); coding-DNA position 1380, G replaced by A.
Protein change: p.Trp460Ter; replaces tryptophan 460 with a stop codon.
Molecular consequence: nonsense.
Genome position (GRCh38, 1-based): chr4:106,235,338, C>T on the plus strand (G>A on the coding strand, the complement: TBCK is on the minus strand). VCF-style: chr4-106235338-C-T. GRCh37 (hg19) VCF-style: chr4-107156495-C-T.
Other names: c.1380G>A, p.Trp460Ter (NM_001163436.4); c.1263G>A, p.Trp421Ter (NM_001163437.3); c.864G>A, p.Trp288Ter (NM_001290768.2); c.1191G>A, p.Trp397Ter (NM_033115.5); short protein forms W288*, W397*, W421*, W460*.
Identifiers: ClinVar variation 4715083 (VCV004715083.1).